The following is an entry in ClinVar:

NM_014844.5(TECPR2):c.1260C>T (p.Ser420=)

Gene: TECPR2 (tectonin beta-propeller repeat containing 2; plus strand). Cytogenetic location: 14q32.31.
Variant type: single nucleotide variant.
Coding change: c.1260C>T on transcript NM_014844.5 (MANE Select); coding-DNA position 1260, C replaced by T.
Protein change: p.Ser420=; no amino-acid change (serine 420 retained).
Molecular consequence: synonymous variant.
Genome position (GRCh38, 1-based): chr14:102,431,971, C>T. VCF-style: chr14-102431971-C-T. GRCh37 (hg19) VCF-style: chr14-102898308-C-T.
Other names: c.1260C>T, p.Ser420= (NM_001172631.3).
Identifiers: ClinVar variation 415296 (VCV000415296.45), dbSNP rs147784739, ClinGen allele CA7357679.

ClinVar aggregate classification (germline): Benign/Likely benign. Review status: criteria provided, multiple submitters, no conflicts (2 of 4 stars). 6 submissions from 6 submitters: Benign (1); Likely benign (4). 1 of the submissions does not count toward it. Last evaluated 2026-06-01.

Conditions:
TECPR2-related disorder. Also called: TECPR2-related condition.
Hereditary spastic paraplegia. Also called: Familial spastic paraparesis. Identifiers: Orphanet 685, MedGen C0037773, MONDO:0019064. Disease mechanism: loss of function.
Hereditary spastic paraplegia 49 (HSAN9). Also called: TECPR2-Related Hereditary Sensory and Autonomic Neuropathy with Intellectual Disability; NEUROPATHY, HEREDITARY SENSORY AND AUTONOMIC, TYPE IX, WITH DEVELOPMENTAL DELAY; Spastic paraplegia 49, autosomal recessive. Identifiers: Orphanet 320385, MedGen C5190860, MONDO:0014016, OMIM 615031.

Allele frequency attached by ClinVar (database versions not stated): gnomAD exomes 0.00030 and 0.00065; ExAC 0.00080; ESP Exome Variant Server 0.00216; gnomAD 0.00271 and 0.00286; TOPMed 0.00304; 1000 Genomes Project 30x 0.00422; 1000 Genomes Project 0.00439.
gnomAD v4.1: 893 of 1,612,934 alleles (0.055%); highest among the groups gnomAD compares: African/African-American, 0.93%; 6 homozygotes.

Submissions (6):

CeGaT Center for Human Genetics Tuebingen
Classification: Likely benign. Last evaluated: 2026-06-01. Review status: criteria provided, single submitter. Criteria: CeGaT Center For Human Genetics Tuebingen Variant Classification Criteria Version 2. Collection method: clinical testing. Allele origin: germline. Affected: yes. Observed: 4 variant alleles.
Comment: TECPR2: BP4, BP7

Labcorp Genetics (formerly Invitae), Labcorp
Classification: Benign for Hereditary spastic paraplegia 49. Last evaluated: 2026-02-02. Review status: criteria provided, single submitter. Criteria: Invitae Variant Classification Sherloc (09022015). Collection method: clinical testing. Allele origin: germline.

Blueprint Genetics
Classification: Likely benign. Last evaluated: 2024-11-14. Review status: criteria provided, single submitter. Criteria: ACMG Guidelines, 2015. Collection method: clinical testing. Allele origin: germline.

Genome Diagnostics Laboratory, The Hospital for Sick Children
Classification: Likely benign for Hereditary spastic paraplegia. Last evaluated: 2017-11-01. Review status: criteria provided, single submitter. Criteria: ACMG Guidelines, 2015. Collection method: clinical testing. Allele origin: germline. Affected: yes.

GeneDx
Classification: Likely benign. Last evaluated: 2017-05-30. Review status: criteria provided, single submitter. Criteria: GeneDx Variant Classification (06012015). Collection method: clinical testing. Allele origin: germline. Affected: yes.
Comment: This variant is considered likely benign or benign based on one or more of the following criteria: it is a conservative change, it occurs at a poorly conserved position in the protein, it is predicted to be benign by multiple in silico algorithms, and/or has population frequency not consistent with disease.

PreventionGenetics, part of Exact Sciences
Classification: Benign for TECPR2-related condition. Last evaluated: 2024-09-04. Review status: no assertion criteria provided. Collection method: clinical testing. Allele origin: germline. Not counted in ClinVar's aggregate classification.
Comment: This variant is classified as benign based on ACMG/AMP sequence variant interpretation guidelines (Richards et al. 2015 PMID: 25741868, with internal and published modifications).